The following is an entry in ClinVar:

NM_000379.4(XDH):c.1208T>C (p.Ile403Thr)

Gene: XDH (xanthine dehydrogenase; minus strand). Cytogenetic location: 2p23.1.
Variant type: single nucleotide variant.
Coding change: c.1208T>C on transcript NM_000379.4 (MANE Select); coding-DNA position 1208, T replaced by C.
Protein change: p.Ile403Thr; replaces isoleucine 403 with threonine.
Molecular consequence: missense variant.
Genome position (GRCh38, 1-based): chr2:31,379,901, A>G on the plus strand (T>C on the coding strand, the complement: XDH is on the minus strand). VCF-style: chr2-31379901-A-G. GRCh37 (hg19) VCF-style: chr2-31602767-A-G.
Other names: short protein forms I403T.
Identifiers: ClinVar variation 2054488 (VCV002054488.2), dbSNP rs753665329, ClinGen allele CA1599314.

ClinVar aggregate classification (germline): Uncertain significance (1 of 4 stars; one submission).

Conditions:
Xanthinuria type II. Also called: Xanthine dehydrogenase and aldehyde oxidase combined deficiency of; XDH and AOX dual deficiency. Identifiers: Orphanet 3467, Orphanet 93602, MedGen C1863688, MONDO:0011346, OMIM 603592.

Allele frequency attached by ClinVar (database versions not stated): ExAC 0.00002; gnomAD 0.00002; gnomAD exomes 0.00003.
gnomAD v4.1: 45 of 1,614,078 alleles (0.0028%); highest among the groups gnomAD compares: South Asian, 0.04%; no homozygotes.

Submission:

Labcorp Genetics (formerly Invitae), Labcorp
Classification: Uncertain significance for Xanthinuria type II. Last evaluated: 2025-01-15. Review status: criteria provided, single submitter. Criteria: Invitae Variant Classification Sherloc (09022015). Collection method: clinical testing. Allele origin: germline.
Comment: This sequence change replaces isoleucine, which is neutral and non-polar, with threonine, which is neutral and polar, at codon 403 of the XDH protein (p.Ile403Thr). This variant is present in population databases (rs753665329, gnomAD 0.02%). This variant has not been reported in the literature in individuals affected with XDH-related conditions. ClinVar contains an entry for this variant (Variation ID: 2054488). An algorithm developed to predict the effect of missense changes on protein structure and function (PolyPhen-2) suggests that this variant¬†is likely to be tolerated. In summary, the available evidence is currently insufficient to determine the role of this variant in disease. Therefore, it has been classified as a Variant of Uncertain Significance.